The following is an entry in ClinVar:

ClinVar aggregate classification (germline): Likely benign (1 of 4 stars; one submission).

Allele frequency attached by ClinVar (database versions not stated): gnomAD 0.00001 and 0.00003; ExAC 0.00001; TOPMed 0.00002; gnomAD exomes 0.00003.
gnomAD v4.1: 15 of 1,613,292 alleles (0.00093%); highest among the groups gnomAD compares: Admixed American, 0.017%; no homozygotes.

Submission:

GeneDx
Classification: Likely benign. Last evaluated: 2016-07-08. Review status: criteria provided, single submitter. Criteria: GeneDx Variant Classification (06012015). Collection method: clinical testing. Allele origin: germline. Affected: yes.
Comment: This variant is considered likely benign or benign based on one or more of the following criteria: it is a conservative change, it occurs at a poorly conserved position in the protein, it is predicted to be benign by multiple in silico algorithms, and/or has population frequency not consistent with disease.

NM_012470.4(TNPO3):c.-36A>G

Genes: TNPO3 (transportin 3; minus strand), LOC129999289 (ATAC-STARR-seq lymphoblastoid active region 26616; plus strand). Cytogenetic location: 7q32.1.
Variant type: single nucleotide variant.
Coding change: c.-36A>G on transcript NM_012470.4 (MANE Select); 36 bases upstream of the start codon, A replaced by G.
Molecular consequence: 5 prime UTR variant. On other transcripts: non-coding transcript variant (18).
Genome position (GRCh38, 1-based): chr7:129,054,806, T>C on the plus strand (A>G on the coding strand, the complement: TNPO3 is on the minus strand). VCF-style: chr7-129054806-T-C. GRCh37 (hg19) VCF-style: chr7-128694860-T-C.
Other names: c.-36A>G (NM_001382223.1, NM_001191028.3, NM_001382216.1 and 6 more transcripts).
Identifiers: ClinVar variation 387106 (VCV000387106.1), dbSNP rs746708053, ClinGen allele CA4478489.